The following is an entry in ClinVar:

NM_000143.4(FH):c.398A>G (p.Asn133Ser)

Gene: FH (fumarate hydratase; minus strand). Cytogenetic location: 1q43.
Variant type: single nucleotide variant.
Coding change: c.398A>G on transcript NM_000143.4 (MANE Select); coding-DNA position 398, A replaced by G.
Protein change: p.Asn133Ser; replaces asparagine 133 with serine.
Molecular consequence: missense variant.
Genome position (GRCh38, 1-based): chr1:241,512,124, T>C on the plus strand (A>G on the coding strand, the complement: FH is on the minus strand). VCF-style: chr1-241512124-T-C. GRCh37 (hg19) VCF-style: chr1-241675424-T-C.
Other names: short protein forms N133S.
Identifiers: ClinVar variation 4641964 (VCV004641964.1).

ClinVar aggregate classification (germline): Uncertain significance (1 of 4 stars; one submission).

Conditions:
Hereditary cancer-predisposing syndrome. Also called: Neoplastic Syndromes, Hereditary; Tumor predisposition; Hereditary Cancer Syndrome; Hereditary neoplastic syndrome. Identifiers: Orphanet 140162, MedGen C0027672, MeSH D009386, MONDO:0015356.

Submission:

Ambry Genetics
Classification: Uncertain significance for Hereditary cancer-predisposing syndrome. Last evaluated: 2025-09-18. Review status: criteria provided, single submitter. Criteria: Ambry Variant Classification Scheme 2023. Collection method: clinical testing. Allele origin: germline.
Comment: The p.N133S variant (also known as c.398A>G), located in coding exon 4 of the FH gene, results from an A to G substitution at nucleotide position 398. The asparagine at codon 133 is replaced by serine, an amino acid with highly similar properties. This amino acid position is conserved. In addition, the in silico prediction for this alteration is inconclusive. Based on the available evidence, the clinical significance of this variant remains unclear.